The following is an entry in ClinVar:

NM_006158.5(NEFL):c.1438_1440delinsAGA (p.Glu480Arg)

Gene: NEFL (neurofilament light chain; minus strand). Cytogenetic location: 8p21.2.
Variant type: Indel.
Coding change: c.1438_1440delinsAGA on transcript NM_006158.5 (MANE Select); coding-DNA positions 1438 to 1440, GAG replaced by AGA.
Protein change: p.Glu480Arg; replaces glutamic acid 480 with arginine.
Molecular consequence: missense variant.
Genome position (GRCh38, 1-based): chr8:24,953,525-24,953,527, CTC replaced by TCT on the plus strand (GAG replaced by AGA on the coding strand, the reverse complement: NEFL is on the minus strand). VCF-style: chr8-24953525-CTC-TCT. GRCh37 (hg19) VCF-style: chr8-24811038-CTC-TCT.
Other names: short protein forms E480R.
Identifiers: ClinVar variation 663136 (VCV000663136.6), dbSNP rs1586126391, ClinGen allele CA915945624.

ClinVar aggregate classification (germline): Uncertain significance. Review status: criteria provided, multiple submitters, no conflicts (2 of 4 stars). 2 submissions from 2 submitters: Uncertain significance (2). Last evaluated 2023-12-19.

Conditions:
Charcot-Marie-Tooth disease type 2E (CMT2E). Also called: CHARCOT-MARIE-TOOTH DISEASE, AXONAL, TYPE 2E; CHARCOT-MARIE-TOOTH NEUROPATHY, TYPE 2E. Identifiers: Orphanet 99939, MedGen C1843225, MONDO:0011894, OMIM 607684.

Submissions (2):

Revvity Omics, Revvity
Classification: Uncertain significance. Last evaluated: 2023-12-19. Review status: criteria provided, single submitter. Criteria: ACMG Guidelines, 2015. Collection method: clinical testing. Allele origin: germline.

Labcorp Genetics (formerly Invitae), Labcorp
Classification: Uncertain significance for Charcot-Marie-Tooth disease type 2E. Last evaluated: 2018-09-11. Review status: criteria provided, single submitter. Criteria: Invitae Variant Classification Sherloc (09022015). Collection method: clinical testing. Allele origin: germline.
Comment: This sequence change replaces glutamic acid with arginine at codon 480 of the NEFL protein (p.Glu480Arg). The glutamic acid residue is highly conserved and there is a small physicochemical difference between glutamic acid and arginine. This variant is not present in population databases (ExAC no frequency). This variant has not been reported in the literature in individuals with NEFL-related disease. Algorithms developed to predict the effect of missense changes on protein structure and function are either unavailable or do not agree on the potential impact of this missense change (SIFT: "Deleterious"; PolyPhen-2: "Not Available"; Align-GVGD: "Class C0"). In summary, the available evidence is currently insufficient to determine the role of this variant in disease. Therefore, it has been classified as a Variant of Uncertain Significance.